The following is an entry in ClinVar:

NM_000059.4(BRCA2):c.7993del (p.Asp2665fs)

Gene: BRCA2 (BRCA2 DNA repair associated; plus strand). Cytogenetic location: 13q13.1.
Variant type: Deletion.
Coding change: c.7993del on transcript NM_000059.4 (MANE Select); coding-DNA position 7993, one base deleted (G; older notation c.7993delG).
Protein change: p.Asp2665fs; shifts the reading frame from aspartic acid 2665.
Molecular consequence: frameshift variant. On other transcripts: non-coding transcript variant (1).
Genome position (GRCh38, 1-based): chr13:32,363,195, G deleted. VCF-style (leftmost placement, unchanged base first): chr13-32363194-TG-T. GRCh37 (hg19) VCF-style: chr13-32937331-TG-T.
Other names: c.7897del, p.Asp2633fs (NM_001406719.1); c.7993del, p.Asp2665fs (NM_001406720.1, NM_001432077.1); c.3061del, p.Asp1021fs (NM_001406721.1); c.1576del, p.Asp526fs (NM_001406722.1); short protein forms D2665fs, D1021fs, D526fs, D2633fs.
Identifiers: ClinVar variation 3482089 (VCV003482089.2).

ClinVar aggregate classification (germline): Pathogenic. Review status: criteria provided, multiple submitters, no conflicts (2 of 4 stars). 2 submissions from 2 submitters: Pathogenic (2). Last evaluated 2025-12-22.

Conditions:
Hereditary cancer-predisposing syndrome. Also called: Tumor predisposition; Neoplastic Syndromes, Hereditary; Hereditary Cancer Syndrome; Hereditary neoplastic syndrome. Identifiers: Orphanet 140162, MedGen C0027672, MeSH D009386, MONDO:0015356.
Hereditary breast ovarian cancer syndrome. Also called: Hereditary breast and ovarian cancer; Breast and ovarian cancer; Hereditary breast and/or ovarian cancer syndrome; Hereditary breast and ovarian cancer syndrome; BRCA1- and BRCA2-Associated Hereditary Breast and Ovarian Cancer; Hereditary breast and ovarian cancer syndrome (HBOC). Identifiers: Orphanet 145, MedGen C0677776, MeSH D061325, MONDO:0003582. Disease mechanism: loss of function.

Submissions (2):

Labcorp Genetics (formerly Invitae), Labcorp
Classification: Pathogenic for Hereditary breast ovarian cancer syndrome. Last evaluated: 2025-12-22. Review status: criteria provided, single submitter. Criteria: Invitae Variant Classification Sherloc (09022015). Collection method: clinical testing. Allele origin: germline.
Comment: This sequence change creates a premature translational stop signal (p.Asp2665Ilefs*8) in the BRCA2 gene. It is expected to result in an absent or disrupted protein product. Loss-of-function variants in BRCA2 are known to be pathogenic (PMID: 20104584). This variant is not present in population databases (gnomAD no frequency). This variant has not been reported in the literature in individuals affected with BRCA2-related conditions. ClinVar contains an entry for this variant (Variation ID: 3482089). For these reasons, this variant has been classified as Pathogenic.

Ambry Genetics
Classification: Pathogenic for Hereditary cancer-predisposing syndrome. Last evaluated: 2024-09-30. Review status: criteria provided, single submitter. Criteria: Ambry Variant Classification Scheme 2023. Collection method: clinical testing. Allele origin: germline.
Comment: The c.7993delG pathogenic mutation, located in coding exon 17 of the BRCA2 gene, results from a deletion of one nucleotide at nucleotide position 7993, causing a translational frameshift with a predicted alternate stop codon (p.D2665Ifs*8). This variant is considered to be rare based on population cohorts in the Genome Aggregation Database (gnomAD). This alteration is expected to result in loss of function by premature protein truncation or nonsense-mediated mRNA decay. As such, this alteration is interpreted as a disease-causing mutation.

Literature cited by the submitters: PubMed 20104584 (cited by Labcorp Genetics (formerly Invitae), Labcorp).